The following is an entry in ClinVar:

ClinVar aggregate classification (germline): Uncertain significance (1 of 4 stars; one submission).

Conditions:
Dilated cardiomyopathy 1G (CMD1G). Identifiers: Orphanet 154, MedGen C1858763, MONDO:0011400, OMIM 604145.
Autosomal recessive limb-girdle muscular dystrophy type 2J (LGMDR10). Also called: MUSCULAR DYSTROPHY, LIMB-GIRDLE, AUTOSOMAL RECESSIVE 10; Limb-girdle muscular dystrophy, type 2J. Identifiers: Orphanet 140922, MedGen C1837342, MONDO:0012127, OMIM 608807.

Submission:

Labcorp Genetics (formerly Invitae), Labcorp
Classification: Uncertain significance for Dilated cardiomyopathy 1G; Autosomal recessive limb-girdle muscular dystrophy type 2J. Last evaluated: 2019-07-24. Review status: criteria provided, single submitter. Criteria: Invitae Variant Classification Sherloc (09022015). Collection method: clinical testing. Allele origin: germline.
Comment: This variant is not present in population databases (ExAC no frequency). This sequence change replaces threonine with alanine at codon 33996 of the TTN protein (p.Thr33996Ala). There is a small physicochemical difference between threonine and alanine. This variant has not been reported in the literature in individuals with TTN-related conditions. In summary, the available evidence is currently insufficient to determine the role of this variant in disease. Therefore, it has been classified as a Variant of Uncertain Significance. This variant is located in the M band of TTN (PMID: 25589632). Variants in this region may be relevant for neuromuscular disorders, but have not been definitively shown to cause cardiomyopathy (PMID: 23975875). Algorithms developed to predict the effect of missense changes on protein structure and function are unavailable for the TTN gene.

Literature cited by the submitters: PubMed 25589632; PubMed 23975875.

NM_001267550.2(TTN):c.101986A>G (p.Thr33996Ala)

Genes: TTN (titin; minus strand), TTN-AS1 (TTN antisense RNA 1; plus strand). Cytogenetic location: 2q31.2.
Variant type: single nucleotide variant.
Coding change: c.101986A>G on transcript NM_001267550.2 (MANE Select); coding-DNA position 101986, A replaced by G.
Protein change: p.Thr33996Ala; replaces threonine 33996 with alanine.
Molecular consequence: missense variant.
Genome position (GRCh38, 1-based): chr2:178,534,629, T>C on the plus strand (A>G on the coding strand, the complement: TTN is on the minus strand). VCF-style: chr2-178534629-T-C. GRCh37 (hg19) VCF-style: chr2-179399356-T-C.
Other names: c.97063A>G, p.Thr32355Ala (NM_001256850.1); c.74791A>G, p.Thr24931Ala (NM_003319.4); c.94282A>G, p.Thr31428Ala (NM_133378.4); c.75166A>G, p.Thr25056Ala (NM_133432.3); c.75367A>G, p.Thr25123Ala (NM_133437.4); short protein forms T25123A, T31428A, T24931A, T25056A, T32355A, T33996A.
Identifiers: ClinVar variation 943181 (VCV000943181.8), dbSNP rs1690632346, ClinGen allele CA349418650.